The following is an entry in ClinVar:

NM_002772.3(TMPRSS15):c.972T>A (p.Tyr324Ter)

Gene: TMPRSS15 (transmembrane serine protease 15; minus strand). Cytogenetic location: 21q21.1.
Variant type: single nucleotide variant.
Coding change: c.972T>A on transcript NM_002772.3 (MANE Select); coding-DNA position 972, T replaced by A.
Protein change: p.Tyr324Ter; replaces tyrosine 324 with a stop codon.
Molecular consequence: nonsense.
Genome position (GRCh38, 1-based): chr21:18,353,772, A>T on the plus strand (T>A on the coding strand, the complement: TMPRSS15 is on the minus strand). VCF-style: chr21-18353772-A-T. GRCh37 (hg19) VCF-style: chr21-19726089-A-T.
Other names: c.972T>A, p.Tyr324Ter (NM_001428057.1); c.1107T>A, p.Tyr369Ter (NM_001428056.1); short protein forms Y369*, Y324*.
Identifiers: ClinVar variation 3726221 (VCV003726221.2).

ClinVar aggregate classification (germline): Pathogenic (1 of 4 stars; one submission).

gnomAD v4.1: 1 of 1,611,764 alleles (0.000062%); highest among the groups gnomAD compares: Non-Finnish European, 0.000085%; no homozygotes.

Submission:

Labcorp Genetics (formerly Invitae), Labcorp
Classification: Pathogenic. Last evaluated: 2025-01-15. Review status: criteria provided, single submitter. Criteria: Invitae Variant Classification Sherloc (09022015). Collection method: clinical testing. Allele origin: germline.
Comment: This sequence change creates a premature translational stop signal (p.Tyr324*) in the TMPRSS15 gene. It is expected to result in an absent or disrupted protein product. Loss-of-function variants in TMPRSS15 are known to be pathogenic (PMID: 11719902). This variant is not present in population databases (gnomAD no frequency). This variant has not been reported in the literature in individuals affected with TMPRSS15-related conditions. For these reasons, this variant has been classified as Pathogenic.

Literature cited by the submitters: PubMed 11719902.